The following is an entry in ClinVar:

ClinVar aggregate classification (germline): Uncertain significance (1 of 4 stars; one submission).

Conditions:
Cardiovascular phenotype. Identifiers: MedGen CN230736.

gnomAD v4.1: 2 of 1,614,090 alleles (0.00012%); highest among the groups gnomAD compares: Non-Finnish European, 0.00017%; no homozygotes.

Submission:

Ambry Genetics
Classification: Uncertain significance for Cardiovascular phenotype. Last evaluated: 2022-05-24. Review status: criteria provided, single submitter. Criteria: Ambry Variant Classification Scheme 2023. Collection method: clinical testing. Allele origin: germline.
Comment: The p.D2767A variant (also known as c.8300A>C), located in coding exon 38 of the ANK2 gene, results from an A to C substitution at nucleotide position 8300. The aspartic acid at codon 2767 is replaced by alanine, an amino acid with dissimilar properties. This amino acid position is conserved. In addition, this alteration is predicted to be tolerated by in silico analysis. Since supporting evidence is limited at this time, the clinical significance of this alteration remains unclear.

NM_001148.6(ANK2):c.8300A>C (p.Asp2767Ala)

Gene: ANK2 (ankyrin 2; plus strand). Cytogenetic location: 4q26.
Variant type: single nucleotide variant.
Coding change: c.8300A>C on transcript NM_001148.6 (MANE Select); coding-DNA position 8300, A replaced by C.
Protein change: p.Asp2767Ala; replaces aspartic acid 2767 with alanine.
Molecular consequence: missense variant. On other transcripts: intron variant (68).
Genome position (GRCh38, 1-based): chr4:113,356,918, A>C. VCF-style: chr4-113356918-A-C. GRCh37 (hg19) VCF-style: chr4-114278074-A-C.
Other names: c.8066A>C, p.Asp2689Ala (NM_001386142.1); c.4700A>C, p.Asp1567Ala (NM_001386166.1); c.8441A>C, p.Asp2814Ala (NM_001386174.1); c.8417A>C, p.Asp2806Ala (NM_001386175.1); c.4412-3905A>C (NM_001386186.2, NM_001386148.2); c.4214-3905A>C (NM_001354269.3); c.4292-3905A>C (NM_001386187.2); c.4253-3905A>C (NM_001386147.1); and 35 more; short protein forms D1567A, D2806A, D2814A, D2689A, D2767A.
Identifiers: ClinVar variation 1762840 (VCV001762840.2), dbSNP rs2505833921, ClinGen allele CA357933717.
Genomic context (GRCh38, chr4:113,356,918, plus strand): 5'-GTCATGCTGTTTCCACTGAGGCTGAAGACAGGTCTTATGATAAGCTAAACAGAGACACTG[A>C]TCAGCCAAAAATCTGTGATGGCCATGGATGTGAGGCCATGAGTCCTAGCAGCTCAGCTGC-3'
Protein context (NP_001139.3, residues 2757-2777): RSYDKLNRDT[Asp2767Ala]QPKICDGHGC